The following is an entry in ClinVar:

ClinVar aggregate classification (germline): Pathogenic (1 of 4 stars; one submission).

Submission:

Labcorp Genetics (formerly Invitae), Labcorp
Classification: Pathogenic. Last evaluated: 2023-04-29. Review status: criteria provided, single submitter. Criteria: Invitae Variant Classification Sherloc (09022015). Collection method: clinical testing. Allele origin: unknown.
Comment: For these reasons, this variant has been classified as Pathogenic. This variant has not been reported in the literature in individuals affected with EYS-related conditions. This variant is a gross deletion of the genomic region encompassing exon(s) 3-12 of the EYS gene, which includes the initiator codon. This deletion extends beyond the assayed region for this gene and therefore may encompass additional genes. It is expected to result in an absent or disrupted protein product. Loss-of-function variants in EYS are known to be pathogenic (PMID: 18836446, 20333770).

Literature cited by the submitters: PubMed 18836446; PubMed 20333770.

NC_000006.11:g.(?_66005736)_(66205886_?)del

Gene: EYS (eyes shut homolog; minus strand). Cytogenetic location: 6q12.
Variant type: Deletion.
Identifiers: ClinVar variation 3246114 (VCV003246114.1).